The following is an entry in ClinVar:

ClinVar aggregate classification (germline): Uncertain significance (1 of 4 stars; one submission).

Allele frequency attached by ClinVar (database versions not stated): gnomAD 0.00001; TOPMed 0.00001.

Submission:

Labcorp Genetics (formerly Invitae), Labcorp
Classification: Uncertain significance. Last evaluated: 2025-10-14. Review status: criteria provided, single submitter. Criteria: Invitae Variant Classification Sherloc (09022015). Collection method: clinical testing. Allele origin: germline.
Comment: This sequence change replaces glycine, which is neutral and non-polar, with alanine, which is neutral and non-polar, at codon 676 of the FUK protein (p.Gly676Ala). This variant is present in population databases (no rsID available, gnomAD 0.01%). This variant has not been reported in the literature in individuals affected with FUK-related conditions. ClinVar contains an entry for this variant (Variation ID: 1995793). An algorithm developed to predict the effect of missense changes on protein structure and function (PolyPhen-2) suggests that this variant is likely to be tolerated. In summary, the available evidence is currently insufficient to determine the role of this variant in disease. Therefore, it has been classified as a Variant of Uncertain Significance.

NM_145059.3(FCSK):c.2027G>C (p.Gly676Ala)

Gene: FCSK (fucose kinase; plus strand). Cytogenetic location: 16q22.1.
Variant type: single nucleotide variant.
Coding change: c.2027G>C on transcript NM_145059.3 (MANE Select); coding-DNA position 2027, G replaced by C.
Protein change: p.Gly676Ala; replaces glycine 676 with alanine.
Molecular consequence: missense variant.
Genome position (GRCh38, 1-based): chr16:70,474,566, G>C. VCF-style: chr16-70474566-G-C. GRCh37 (hg19) VCF-style: chr16-70508469-G-C.
Other names: short protein forms G676A.
Identifiers: ClinVar variation 1995793 (VCV001995793.4), dbSNP rs1180956205, ClinGen allele CA396572011.